The following is an entry in ClinVar:

ClinVar aggregate classification (germline): Uncertain significance (1 of 4 stars; one submission).

Conditions:
Perlman syndrome (PRLMNS). Identifiers: Orphanet 2849, MedGen C0796113, MONDO:0009965, OMIM 267000.

Allele frequency attached by ClinVar (database versions not stated): gnomAD exomes below 0.00001.
gnomAD v4.1: 1 of 1,609,864 alleles (0.000062%); highest among the groups gnomAD compares: East Asian, 0.0022%; no homozygotes.

Submission:

Labcorp Genetics (formerly Invitae), Labcorp
Classification: Uncertain significance for Perlman syndrome. Last evaluated: 2025-11-10. Review status: criteria provided, single submitter. Criteria: Invitae Variant Classification Sherloc (09022015). Collection method: clinical testing. Allele origin: germline.
Comment: This sequence change replaces proline, which is neutral and non-polar, with serine, which is neutral and polar, at codon 860 of the DIS3L2 protein (p.Pro860Ser). This variant is not present in population databases (gnomAD no frequency). This variant has not been reported in the literature in individuals affected with DIS3L2-related conditions. ClinVar contains an entry for this variant (Variation ID: 1350678). An algorithm developed to predict the effect of missense changes on protein structure and function (PolyPhen-2) suggests that this variant is likely to be disruptive. In summary, the available evidence is currently insufficient to determine the role of this variant in disease. Therefore, it has been classified as a Variant of Uncertain Significance.

NM_152383.5(DIS3L2):c.2578C>T (p.Pro860Ser)

Gene: DIS3L2 (DIS3 like 3'-5' exoribonuclease 2; plus strand). Cytogenetic location: 2q37.1.
Variant type: single nucleotide variant.
Coding change: c.2578C>T on transcript NM_152383.5 (MANE Select); coding-DNA position 2578, C replaced by T.
Protein change: p.Pro860Ser; replaces proline 860 with serine.
Molecular consequence: missense variant. On other transcripts: non-coding transcript variant (2), intron variant (1).
Genome position (GRCh38, 1-based): chr2:232,336,550, C>T. VCF-style: chr2-232336550-C-T. GRCh37 (hg19) VCF-style: chr2-233201260-C-T.
Other names: c.1582-6795C>T (NM_001257281.2); short protein forms P860S.
Identifiers: ClinVar variation 1350678 (VCV001350678.8), dbSNP rs1695956148, ClinGen allele CA350979001.